The following is an entry in ClinVar:

NM_003730.6(RNASET2):c.351G>A (p.Lys117=)

Gene: RNASET2 (ribonuclease T2; minus strand). Cytogenetic location: 6q27.
Variant type: single nucleotide variant.
Coding change: c.351G>A on transcript NM_003730.6 (MANE Select); coding-DNA position 351, G replaced by A.
Protein change: p.Lys117=; no amino-acid change (lysine 117 retained).
Molecular consequence: synonymous variant.
Genome position (GRCh38, 1-based): chr6:166,938,990, C>T on the plus strand (G>A on the coding strand, the complement: RNASET2 is on the minus strand). VCF-style: chr6-166938990-C-T. GRCh37 (hg19) VCF-style: chr6-167352478-C-T.
Identifiers: ClinVar variation 2081377 (VCV002081377.24), dbSNP rs373505402, ClinGen allele CA4095025.

ClinVar aggregate classification (germline): Likely benign. Review status: criteria provided, multiple submitters, no conflicts (2 of 4 stars). 2 submissions from 2 submitters: Likely benign (2). Last evaluated 2024-04-01.

Allele frequency attached by ClinVar (database versions not stated): ExAC 0.00003; ESP Exome Variant Server 0.00008; gnomAD 0.00013; TOPMed 0.00017.
gnomAD v4.1: 25 of 1,613,004 alleles (0.0015%); highest among the groups gnomAD compares: African/African-American, 0.029%; no homozygotes.

Submissions (2):

CeGaT Center for Human Genetics Tuebingen
Classification: Likely benign. Last evaluated: 2024-04-01. Review status: criteria provided, single submitter. Criteria: CeGaT Center For Human Genetics Tuebingen Variant Classification Criteria Version 2. Collection method: clinical testing. Allele origin: germline. Affected: yes. Observed: 1 variant allele.
Comment: RNASET2: BP4, BP7

Labcorp Genetics (formerly Invitae), Labcorp
Classification: Likely benign. Last evaluated: 2024-01-15. Review status: criteria provided, single submitter. Criteria: Invitae Variant Classification Sherloc (09022015). Collection method: clinical testing. Allele origin: germline.